The following is an entry in ClinVar:

ClinVar aggregate classification (germline): Uncertain significance (1 of 4 stars; one submission).

Conditions:
Hereditary breast ovarian cancer syndrome. Also called: Hereditary breast and ovarian cancer; Hereditary breast and/or ovarian cancer syndrome; Breast and ovarian cancer; BRCA1- and BRCA2-Associated Hereditary Breast and Ovarian Cancer; Hereditary breast and ovarian cancer syndrome; Hereditary breast and ovarian cancer syndrome (HBOC). Identifiers: Orphanet 145, MedGen C0677776, MeSH D061325, MONDO:0003582. Disease mechanism: loss of function.

Submission:

Labcorp Genetics (formerly Invitae), Labcorp
Classification: Uncertain significance for Hereditary breast ovarian cancer syndrome. Last evaluated: 2023-12-27. Review status: criteria provided, single submitter. Criteria: Invitae Variant Classification Sherloc (09022015). Collection method: clinical testing. Allele origin: germline.
Comment: This variant results in a copy number gain of the genomic region encompassing exon(s) 1-7 of the BRCA1 gene. This region includes the initiator codon of the gene. This copy number gain extends beyond the assayed region for this gene and therefore may encompass additional genes. As the precise location of this event is unknown, it may be in tandem or it may be located elsewhere in the genome. This variant has not been reported in the literature in individuals affected with BRCA1-related conditions. Experimental studies and prediction algorithms are not available or were not evaluated, and the functional significance of this variant is currently unknown. In summary, the available evidence is currently insufficient to determine the role of this variant in disease. Therefore, it has been classified as a Variant of Uncertain Significance.

NC_000017.10:g.(?_41251772)_(41277500_?)dup

Genes: BRCA1 (BRCA1 DNA repair associated; minus strand), LOC110485084 (BRCA1 intronic recombination region; plus strand), LOC111589215 (BRCA1 promoter region; plus strand), LOC111589216 (BRCA1 intron 2 regulatory region; plus strand). Cytogenetic location: 17q21.31.
Variant type: Duplication.
Identifiers: ClinVar variation 657388 (VCV000657388.4).